The following is an entry in ClinVar:

ClinVar aggregate classification (germline): Uncertain significance. Review status: criteria provided, multiple submitters, no conflicts (2 of 4 stars). 2 submissions from 2 submitters: Uncertain significance (2). Last evaluated 2025-12-08.

Conditions:
Hypopigmentation-punctate palmoplantar keratoderma syndrome. Also called: GUTTATE HYPOPIGMENTATION AND PUNCTATE PALMOPLANTAR KERATODERMA WITH OR WITHOUT ECTOPIC CALCIFICATION; Cole disease. Identifiers: Orphanet 324561, MedGen C3809781, MONDO:0014227, OMIM 615522.
Arterial calcification, generalized, of infancy, 1 (GACI1). Also called: Idiopathic Infantile Arterial Calcification. Identifiers: Orphanet 51608, MedGen C4551985, MONDO:0008817, OMIM 208000.
Hypophosphatemic rickets, autosomal recessive, 2 (ARHR2). Identifiers: Orphanet 289176, MedGen C2750078, MONDO:0013219, OMIM 613312.
Type 2 diabetes mellitus. Also called: Type II diabetes mellitus. Identifiers: MedGen C0011860, MeSH D003924, MONDO:0005148, OMIM 125853, HP:0005978.
Inherited obesity. Also called: Monogenic Obesity. Identifiers: Orphanet 77828, MedGen C4054476, MONDO:0019182, OMIM 601665.

Allele frequency attached by ClinVar (database versions not stated): gnomAD exomes below 0.00001; TOPMed below 0.00001.
gnomAD v4.1: 4 of 1,597,480 alleles (0.00025%); highest among the groups gnomAD compares: Admixed American, 0.0067%; no homozygotes.

Submissions (2):

Labcorp Genetics (formerly Invitae), Labcorp
Classification: Uncertain significance. Last evaluated: 2025-12-08. Review status: criteria provided, single submitter. Criteria: Invitae Variant Classification Sherloc (09022015). Collection method: clinical testing. Allele origin: germline.
Comment: This sequence change replaces glutamic acid, which is acidic and polar, with glutamine, which is neutral and polar, at codon 299 of the ENPP1 protein (p.Glu299Gln). This variant is present in population databases (no rsID available, gnomAD 0.01%). This variant has not been reported in the literature in individuals affected with ENPP1-related conditions. ClinVar contains an entry for this variant (Variation ID: 2085977). Invitae Evidence Modeling of protein sequence and biophysical properties (such as structural, functional, and spatial information, amino acid conservation, physicochemical variation, residue mobility, and thermodynamic stability) indicates that this missense variant is not expected to disrupt ENPP1 protein function with a negative predictive value of 80%. In summary, the available evidence is currently insufficient to determine the role of this variant in disease. Therefore, it has been classified as a Variant of Uncertain Significance.

Fulgent Genetics
Classification: Uncertain significance for Type 2 diabetes mellitus; Arterial calcification, generalized, of infancy, 1; Inherited obesity; Hypophosphatemic rickets, autosomal recessive, 2; Hypopigmentation-punctate palmoplantar keratoderma syndrome. Last evaluated: 2024-01-18. Review status: criteria provided, single submitter. Criteria: ACMG Guidelines, 2015. Collection method: clinical testing. Allele origin: germline.

NM_006208.3(ENPP1):c.895G>C (p.Glu299Gln)

Gene: ENPP1 (ectonucleotide pyrophosphatase/phosphodiesterase 1; plus strand). Cytogenetic location: 6q23.2.
Variant type: single nucleotide variant.
Coding change: c.895G>C on transcript NM_006208.3 (MANE Select); coding-DNA position 895, G replaced by C.
Protein change: p.Glu299Gln; replaces glutamic acid 299 with glutamine.
Molecular consequence: missense variant.
Genome position (GRCh38, 1-based): chr6:131,860,486, G>C. VCF-style: chr6-131860486-G-C. GRCh37 (hg19) VCF-style: chr6-132181626-G-C.
Other names: short protein forms E299Q.
Identifiers: ClinVar variation 2085977 (VCV002085977.4), dbSNP rs1178240876, ClinGen allele CA365668399.
Genomic context (GRCh38, chr6:131,860,486, plus strand): 5'-ATGTATGATCCCAAAATGAATGCTTCCTTTTCACTTAAAAGTAAAGAGAAATTTAATCCT[G>C]AGTGGTACAAAGGAGAACCAGTGAGTTCTTTGTTTTTCTACTAAAATAGTTAATTATTCT-3'
Protein context (NP_006199.2, residues 289-309): SLKSKEKFNP[Glu299Gln]WYKGEPIWVT